The following is an entry in ClinVar:

NM_001177316.2(SLC34A3):c.1633C>T (p.Arg545Cys)

Gene: SLC34A3 (solute carrier family 34 member 3; plus strand). Cytogenetic location: 9q34.3.
Variant type: single nucleotide variant.
Coding change: c.1633C>T on transcript NM_001177316.2 (MANE Select); coding-DNA position 1633, C replaced by T.
Protein change: p.Arg545Cys; replaces arginine 545 with cysteine.
Molecular consequence: missense variant.
Genome position (GRCh38, 1-based): chr9:137,236,249, C>T. VCF-style: chr9-137236249-C-T. GRCh37 (hg19) VCF-style: chr9-140130701-C-T.
Other names: c.1633C>T, p.Arg545Cys (NM_001177317.2, NM_080877.3); short protein forms R545C.
Identifiers: ClinVar variation 2915814 (VCV002915814.1), dbSNP rs368976516, ClinGen allele CA5365021.
Genomic context (GRCh38, chr9:137,236,249, plus strand): 5'-GTGCTCCTCGTCATCCTGGTTACTGTCCTGCAGCGGCGCCGGCCGGCCTGGCTGCCTGTC[C>T]GCCTGCGCTCCTGGGCCTGGCTCCCCGTCTGGCTCCATTCTCTGGAGCCCTGGGACCGCC-3'
Protein context (NP_001170787.2, residues 535-555): QRRRPAWLPV[Arg545Cys]LRSWAWLPVW

ClinVar aggregate classification (germline): Uncertain significance (1 of 4 stars; one submission).

Allele frequency attached by ClinVar (database versions not stated): gnomAD 0.00004; TOPMed 0.00007; ESP Exome Variant Server 0.00008.
gnomAD v4.1: 30 of 1,548,618 alleles (0.0019%); highest among the groups gnomAD compares: East Asian, 0.015%; no homozygotes.

Submission:

Labcorp Genetics (formerly Invitae), Labcorp
Classification: Uncertain significance. Last evaluated: 2023-06-14. Review status: criteria provided, single submitter. Criteria: Invitae Variant Classification Sherloc (09022015). Collection method: clinical testing. Allele origin: germline.
Comment: In summary, the available evidence is currently insufficient to determine the role of this variant in disease. Therefore, it has been classified as a Variant of Uncertain Significance. Advanced modeling of protein sequence and biophysical properties (such as structural, functional, and spatial information, amino acid conservation, physicochemical variation, residue mobility, and thermodynamic stability) performed at Invitae indicates that this missense variant is not expected to disrupt SLC34A3 protein function. This variant has not been reported in the literature in individuals affected with SLC34A3-related conditions. This variant is present in population databases (rs368976516, gnomAD 0.008%). This sequence change replaces arginine, which is basic and polar, with cysteine, which is neutral and slightly polar, at codon 545 of the SLC34A3 protein (p.Arg545Cys).